The following is an entry in ClinVar:

NM_002485.5(NBN):c.1399G>T (p.Glu467Ter)

Gene: NBN (nibrin; minus strand). Cytogenetic location: 8q21.3.
Variant type: single nucleotide variant.
Coding change: c.1399G>T on transcript NM_002485.5 (MANE Select); coding-DNA position 1399, G replaced by T.
Protein change: p.Glu467Ter; replaces glutamic acid 467 with a stop codon.
Molecular consequence: nonsense.
Genome position (GRCh38, 1-based): chr8:89,953,690, C>A on the plus strand (G>T on the coding strand, the complement: NBN is on the minus strand). VCF-style: chr8-89953690-C-A. GRCh37 (hg19) VCF-style: chr8-90965918-C-A.
Other names: c.1153G>T, p.Glu385Ter (NM_001024688.3); short protein forms E467*, E385*.
Identifiers: ClinVar variation 481828 (VCV000481828.19), dbSNP rs1554558613, ClinGen allele CA371655931.

ClinVar aggregate classification (germline): Pathogenic/Likely pathogenic. Review status: criteria provided, multiple submitters, no conflicts (2 of 4 stars). 6 submissions from 6 submitters: Pathogenic (4); Likely pathogenic (1). 1 of the submissions does not count toward it. Last evaluated 2024-05-08.

Conditions:
Malignant tumor of breast. Also called: Malignant breast neoplasm; Cancer breast. Identifiers: MedGen C0006142, MONDO:0007254. Disease mechanism: loss of function.
Hereditary cancer-predisposing syndrome. Also called: Neoplastic Syndromes, Hereditary; Hereditary Cancer Syndrome; Tumor predisposition; Hereditary neoplastic syndrome. Identifiers: Orphanet 140162, MedGen C0027672, MeSH D009386, MONDO:0015356.
Aplastic anemia. Identifiers: Orphanet 182040, Orphanet 88, MedGen C0002874, MONDO:0015909, OMIM 609135, HP:0001915.
Microcephaly, normal intelligence and immunodeficiency (NBS). Also called: IMMUNODEFICIENCY, MICROCEPHALY, AND CHROMOSOMAL INSTABILITY; SEEMANOVA SYNDROME II; BERLIN BREAKAGE SYNDROME; Immunodeficiency, microcephaly with normal intelligence; Nijmegen breakage syndrome; Microcephaly with normal intelligence immunodeficiency and lymphoreticular malignancies. Identifiers: Orphanet 647, MedGen C0398791, MONDO:0009623, OMIM 251260.

Allele frequency attached by ClinVar (database versions not stated): gnomAD exomes below 0.00001.
gnomAD v4.1: 2 of 1,605,846 alleles (0.00012%); highest among the groups gnomAD compares: Non-Finnish European, 0.00017%; no homozygotes.

Submissions (6):

Myriad Genetics, Inc.
Classification: Pathogenic for Microcephaly, normal intelligence and immunodeficiency. Last evaluated: 2024-05-08. Review status: criteria provided, single submitter. Criteria: Myriad Autosomal Dominant, Autosomal Recessive and X-Linked Classification Criteria (2023). Collection method: clinical testing. Allele origin: unknown.
Comment: NM_002485.4(NBN):c.1399G>T(E467*) is expected to be pathogenic in the context of Nijmegen breakage syndrome. This variant is predicted to lead to an abnormal or absent protein product due to the creation of a premature termination codon in NBN, a gene where loss-of-function variants are known to be pathogenic. Please note: this variant was assessed in the context of healthy population screening.

Baylor Genetics
Classification: Likely pathogenic for Aplastic anemia. Last evaluated: 2023-11-11. Review status: criteria provided, single submitter. Criteria: ACMG Guidelines, 2015. Collection method: clinical testing. Allele origin: unknown.

Labcorp Genetics (formerly Invitae), Labcorp
Classification: Pathogenic for Microcephaly, normal intelligence and immunodeficiency. Last evaluated: 2023-07-03. Review status: criteria provided, single submitter. Criteria: Invitae Variant Classification Sherloc (09022015). Collection method: clinical testing. Allele origin: germline.
Comment: For these reasons, this variant has been classified as Pathogenic. ClinVar contains an entry for this variant (Variation ID: 481828). This variant has not been reported in the literature in individuals affected with NBN-related conditions. This variant is not present in population databases (gnomAD no frequency). This sequence change creates a premature translational stop signal (p.Glu467*) in the NBN gene. It is expected to result in an absent or disrupted protein product. Loss-of-function variants in NBN are known to be pathogenic (PMID: 9590180, 16415040).

Ambry Genetics
Classification: Pathogenic for Hereditary cancer-predisposing syndrome. Last evaluated: 2023-04-26. Review status: criteria provided, single submitter. Criteria: Ambry Variant Classification Scheme 2023. Collection method: clinical testing. Allele origin: germline.
Comment: The p.E467* pathogenic mutation (also known as c.1399G>T), located in coding exon 11 of the NBN gene, results from a G to T substitution at nucleotide position 1399. This changes the amino acid from a glutamic acid to a stop codon within coding exon 11. This alteration is expected to result in loss of function by premature protein truncation or nonsense-mediated mRNA decay. As such, this alteration is interpreted as a disease-causing mutation.

Genome-Nilou Lab
Classification: Pathogenic for Microcephaly, normal intelligence and immunodeficiency. Last evaluated: 2021-11-07. Review status: criteria provided, single submitter. Criteria: ACMG Guidelines, 2015. Collection method: clinical testing. Allele origin: germline. Affected: no.

Department of Pathology and Laboratory Medicine, Sinai Health System
Classification: Likely pathogenic for Malignant tumor of breast. Review status: no assertion criteria provided. Collection method: clinical testing. Allele origin: unknown. Affected: yes. Study: The Canadian Open Genetics Repository (COGR). Not counted in ClinVar's aggregate classification.
Comment: The NBN p.Glu467X variant was not identified in the literature nor was it identified in the dbSNP, ClinVar, Clinvitae, Cosmic, LOVD 3.0, and Zhejiang Colon Cancer database. The variant was also not identified in the 1000 Genomes Project, the NHLBI GO Exome Sequencing Project, the Exome Aggregation Consortium (August 8th 2016) or the Genome Aggregation Consortium (February 27, 2017) control databases. The c.1399G>T variant occurs in the second base of exon 11. This position has been shown to be part of the splicing consensus sequence and variants involving this position sometimes affect splicing. In addition, 4 of 5 in silico or computational prediction software programs (SpliceSiteFinder, MaxEntScan, NNSPLICE, GeneSplicer, HumanSpliceFinder) predict a greater than 10% difference in splicing; however, this is not very predictive of pathogenicity. In addition, the p.Glu467X variant leads to a premature stop codon at position 467, which is predicted to lead to a truncated or absent protein and loss of function. Truncating variants in the NBN gene have been previously reported as a disease mechanism in NBS individuals who carry a pathogenic variant may have an increased risk of breast cancer. In summary, the clinical significance of this variant cannot be determined with certainty at this time but the evidence suggests a more pathogenic role for this variant. This variant meets our laboratoryâ€šÃ„Ã´s criteria to be classified as likely pathogenic.

Literature cited by the submitters: PubMed 9590180 (cited by Labcorp Genetics (formerly Invitae), Labcorp); PubMed 16415040 (cited by Labcorp Genetics (formerly Invitae), Labcorp).